The following is an entry in ClinVar:

NM_007118.4(TRIO):c.5964T>C (p.Leu1988=)

Gene: TRIO (trio Rho guanine nucleotide exchange factor; plus strand). Cytogenetic location: 5p15.2.
Variant type: single nucleotide variant.
Coding change: c.5964T>C on transcript NM_007118.4 (MANE Select); coding-DNA position 5964, T replaced by C.
Protein change: p.Leu1988=; no amino-acid change (leucine 1988 retained).
Molecular consequence: synonymous variant. On other transcripts: non-coding transcript variant (1).
Genome position (GRCh38, 1-based): chr5:14,472,643, T>C. VCF-style: chr5-14472643-T-C. GRCh37 (hg19) VCF-style: chr5-14472752-T-C.
Identifiers: ClinVar variation 3257380 (VCV003257380.17).
Genomic context (GRCh38, chr5:14,472,643, plus strand): 5'-TCTCTCCAGCTACGTTTTGCAAGAACTAGTGGAGACAGAGCGTGACTATGTGCGGGACCT[T>C]GGCTATGTGGTTGAGGTGTGTATTGCCAGAAATTTAGTATCTTCGTATCAGTTCCAAGAG-3'
Protein context (NP_009049.2, residues 1978-1998): VETERDYVRD[Leu1988=]GYVVEGYMAL

ClinVar aggregate classification (germline): Likely benign (1 of 4 stars; one submission).

Submission:

CeGaT Center for Human Genetics Tuebingen
Classification: Likely benign. Last evaluated: 2024-07-01. Review status: criteria provided, single submitter. Criteria: CeGaT Center For Human Genetics Tuebingen Variant Classification Criteria Version 2. Collection method: clinical testing. Allele origin: germline. Affected: yes. Observed: 1 variant allele.
Comment: TRIO: PM2:Supporting, BP4, BP7